The following is an entry in ClinVar:

ClinVar aggregate classification (germline): Conflicting classifications of pathogenicity. Review status: criteria provided, conflicting classifications (1 of 4 stars). 2 submissions from 2 submitters: Likely pathogenic (1); Uncertain significance (1). Last evaluated 2024-11-22.

Conditions:
Retinal dystrophy. Also called: Inherited retinal dystrophy. Identifiers: Orphanet 71862, MedGen C0854723, MeSH D058499, MONDO:0019118, HP:0000556.

Allele frequency attached by ClinVar (database versions not stated): gnomAD exomes below 0.00001.
gnomAD v4.1: 1 of 1,614,032 alleles (0.000062%); highest among the groups gnomAD compares: Non-Finnish European, 0.000085%; no homozygotes.

Submissions (2):

Women's Health and Genetics/Laboratory Corporation of America, LabCorp
Classification: Uncertain significance. Last evaluated: 2024-11-22. Review status: criteria provided, single submitter. Criteria: LabCorp Variant Classification Summary - May 2015. Collection method: clinical testing. Allele origin: germline.
Comment: Variant summary: USH2A c.12407C>T (p.Thr4136Ile) results in a non-conservative amino acid change located in the Fibronectin type-III domain of the encoded protein sequence. Five of five in-silico tools predict a damaging effect of the variant on protein function. The variant was absent in 250350 control chromosomes. The available data on variant occurrences in the general population are insufficient to allow any conclusion about variant significance. c.12407C>T has been reported in the literature in at-least one individual affected with retinitis pigmentosa (example: Inaba_2020). These report(s) do not provide unequivocal conclusions about association of the variant with Usher Syndrome. To our knowledge, no experimental evidence demonstrating an impact on protein function has been reported. The following publication has been ascertained in the context of this evaluation (PMID: 33105608). ClinVar contains an entry for this variant (Variation ID: 3028664). Based on the evidence outlined above, the variant was classified as uncertain significance.

Dept Of Ophthalmology, Nagoya University
Classification: Likely pathogenic for Retinal dystrophy. Last evaluated: 2023-10-01. Review status: criteria provided, single submitter. Criteria: Submitter's publication. Collection method: research. Allele origin: germline. Affected: yes.

Literature cited by the submitters: PubMed 33105608 (cited by Women's Health and Genetics/Laboratory Corporation of America, LabCorp).

NM_206933.4(USH2A):c.12407C>T (p.Thr4136Ile)

Gene: USH2A (usherin; minus strand). Cytogenetic location: 1q41.
Variant type: single nucleotide variant.
Coding change: c.12407C>T on transcript NM_206933.4 (MANE Select); coding-DNA position 12407, C replaced by T.
Protein change: p.Thr4136Ile; replaces threonine 4136 with isoleucine.
Molecular consequence: missense variant.
Genome position (GRCh38, 1-based): chr1:215,675,504, G>A on the plus strand (C>T on the coding strand, the complement: USH2A is on the minus strand). VCF-style: chr1-215675504-G-A. GRCh37 (hg19) VCF-style: chr1-215848846-G-A.
Other names: short protein forms T4136I.
Identifiers: ClinVar variation 3028664 (VCV003028664.2), dbSNP rs1657992486, ClinGen allele CA344851002.